The following is an entry in ClinVar:

NM_001164665.2(KIAA1549):c.5247+5G>T

Gene: KIAA1549 (KIAA1549; minus strand). Cytogenetic location: 7q34.
Variant type: single nucleotide variant.
Coding change: c.5247+5G>T on transcript NM_001164665.2 (MANE Select); 5 bases into the intron after coding-DNA position 5247, G replaced by T.
Molecular consequence: intron variant.
Genome position (GRCh38, 1-based): chr7:138,861,134, C>A on the plus strand (G>T on the coding strand, the complement: KIAA1549 is on the minus strand). VCF-style: chr7-138861134-C-A. GRCh37 (hg19) VCF-style: chr7-138545880-C-A.
Other names: c.5247+5G>T (NM_020910.3).
Identifiers: ClinVar variation 2103909 (VCV002103909.4), dbSNP rs1196804291, ClinGen allele CA578197411.
Genomic context (GRCh38, chr7:138,861,134, plus strand): 5'-AGGCAGTCAGGCAACAAAGCTTCAACATCTTGCCCATCAGAGAATTCTAGAAGGCCAGTA[C>A]TTACACTGCAGGGATTGTTGGCCGTCTGGGCTGGGCTGTAGAAGGACCCCCACTGGGTGG-3'

ClinVar aggregate classification (germline): Uncertain significance (1 of 4 stars; one submission).

Allele frequency attached by ClinVar (database versions not stated): gnomAD exomes below 0.00001; TOPMed below 0.00001.
gnomAD v4.1: 1 of 1,613,610 alleles (0.000062%); highest among the groups gnomAD compares: African/African-American, 0.0013%; no homozygotes.

Submission:

Labcorp Genetics (formerly Invitae), Labcorp
Classification: Uncertain significance. Last evaluated: 2022-02-27. Review status: criteria provided, single submitter. Criteria: Invitae Variant Classification Sherloc (09022015). Collection method: clinical testing. Allele origin: germline.
Comment: This sequence change falls in intron 16 of the KIAA1549 gene. It does not directly change the encoded amino acid sequence of the KIAA1549 protein. It affects a nucleotide within the consensus splice site. The frequency data for this variant in the population databases is considered unreliable, as metrics indicate poor data quality at this position in the gnomAD database. This variant has not been reported in the literature in individuals affected with KIAA1549-related conditions. Variants that disrupt the consensus splice site are a relatively common cause of aberrant splicing (PMID: 17576681, 9536098). Algorithms developed to predict the effect of sequence changes on RNA splicing suggest that this variant may disrupt the consensus splice site. In summary, the available evidence is currently insufficient to determine the role of this variant in disease. Therefore, it has been classified as a Variant of Uncertain Significance.

Literature cited by the submitters: PubMed 17576681; PubMed 9536098.